The following is an entry in ClinVar:

ClinVar aggregate classification (germline): Uncertain significance. Review status: criteria provided, multiple submitters, no conflicts (2 of 4 stars). 2 submissions from 2 submitters: Uncertain significance (2). Last evaluated 2023-08-23.

Conditions:
Bethlem myopathy 1A. Also called: MYOPATHY, BENIGN CONGENITAL, WITH CONTRACTURES; Bethlem myopathy 1; Bethlem Muscular Dystrophy. Identifiers: Orphanet 610, MedGen CN029274, MONDO:0024530, OMIM 158810.

Allele frequency attached by ClinVar (database versions not stated): gnomAD exomes 0.00001 and 0.00002; TOPMed 0.00001; ExAC 0.00003; ESP Exome Variant Server 0.00008.
gnomAD v4.1: 9 of 1,609,460 alleles (0.00056%); highest among the groups gnomAD compares: Non-Finnish European, 0.00059%; no homozygotes.

Submissions (2):

Labcorp Genetics (formerly Invitae), Labcorp
Classification: Uncertain significance for Bethlem myopathy 1A. Last evaluated: 2023-08-23. Review status: criteria provided, single submitter. Criteria: Invitae Variant Classification Sherloc (09022015). Collection method: clinical testing. Allele origin: germline.
Comment: ClinVar contains an entry for this variant (Variation ID: 450149). Advanced modeling of protein sequence and biophysical properties (such as structural, functional, and spatial information, amino acid conservation, physicochemical variation, residue mobility, and thermodynamic stability) performed at Invitae indicates that this missense variant is not expected to disrupt COL6A2 protein function. In summary, the available evidence is currently insufficient to determine the role of this variant in disease. Therefore, it has been classified as a Variant of Uncertain Significance. This variant has not been reported in the literature in individuals affected with COL6A2-related conditions. This sequence change replaces histidine, which is basic and polar, with aspartic acid, which is acidic and polar, at codon 962 of the COL6A2 protein (p.His962Asp). This variant is present in population databases (rs373184224, gnomAD 0.003%).

GeneDx
Classification: Uncertain significance. Last evaluated: 2017-06-29. Review status: criteria provided, single submitter. Criteria: GeneDx Variant Classification (06012015). Collection method: clinical testing. Allele origin: germline. Affected: yes.
Comment: A variant of uncertain significance has been identified in the COL6A2 gene. The H962D variant has not been published as a pathogenic variant, nor has it been reported as a benign variant to our knowledge. The H962D variant is not observed at a significant frequency in large population cohorts (Lek et al., 2016; 1000 Genomes Consortium et al., 2015; Exome Variant Server). The H962D variant is a non-conservative amino acid substitution, which is likely to impact secondary protein structure as these residues differ in polarity, charge, size and/or other properties. This substitution occurs at a position that is conserved in mammals. However, in silico analysis predicts this variant likely does not alter the protein structure/function. Therefore, based on the currently available information, it is unclear whether this variant is a pathogenic variant or a rare benign variant.

NM_001849.4(COL6A2):c.2884C>G (p.His962Asp)

Gene: COL6A2 (collagen type VI alpha 2 chain; plus strand). Cytogenetic location: 21q22.3.
Variant type: single nucleotide variant.
Coding change: c.2884C>G on transcript NM_001849.4 (MANE Select); coding-DNA position 2884, C replaced by G.
Protein change: p.His962Asp; replaces histidine 962 with aspartic acid.
Molecular consequence: missense variant.
Genome position (GRCh38, 1-based): chr21:46,132,376, C>G. VCF-style: chr21-46132376-C-G. GRCh37 (hg19) VCF-style: chr21-47552290-C-G.
Other names: short protein forms H962D.
Identifiers: ClinVar variation 450149 (VCV000450149.5), dbSNP rs373184224, ClinGen allele CA10073078.